The following is an entry in ClinVar:

ClinVar aggregate classification (germline): Uncertain significance. Review status: criteria provided, multiple submitters, no conflicts (2 of 4 stars). 2 submissions from 2 submitters: Uncertain significance (2). Last evaluated 2024-09-12.

Conditions:
Hereditary pheochromocytoma and paraganglioma. Also called: Hereditary pheochromocytoma-paraganglioma; Hereditary paragangliomas and pheochromocytomas; Hereditary Paraganglioma-Pheochromocytoma Syndromes. Identifiers: Orphanet 29072, MedGen C4274332, MONDO:0017366.
Hereditary cancer-predisposing syndrome. Also called: Neoplastic Syndromes, Hereditary; Tumor predisposition; Hereditary Cancer Syndrome; Hereditary neoplastic syndrome. Identifiers: Orphanet 140162, MedGen C0027672, MeSH D009386, MONDO:0015356.

Submissions (2):

Labcorp Genetics (formerly Invitae), Labcorp
Classification: Uncertain significance for Hereditary pheochromocytoma and paraganglioma. Last evaluated: 2024-09-12. Review status: criteria provided, single submitter. Criteria: Invitae Variant Classification Sherloc (09022015). Collection method: clinical testing. Allele origin: germline.
Comment: This sequence change replaces glutamine, which is neutral and polar, with arginine, which is basic and polar, at codon 151 of the SDHAF2 protein (p.Gln151Arg). This variant is not present in population databases (gnomAD no frequency). This variant has not been reported in the literature in individuals affected with SDHAF2-related conditions. ClinVar contains an entry for this variant (Variation ID: 1741249). An algorithm developed to predict the effect of missense changes on protein structure and function (PolyPhen-2) suggests that this variant is likely to be disruptive. In summary, the available evidence is currently insufficient to determine the role of this variant in disease. Therefore, it has been classified as a Variant of Uncertain Significance.

Ambry Genetics
Classification: Uncertain significance for Hereditary cancer-predisposing syndrome. Last evaluated: 2020-10-13. Review status: criteria provided, single submitter. Criteria: Ambry Variant Classification Scheme 2023. Collection method: clinical testing. Allele origin: germline.
Comment: The p.Q151R variant (also known as c.452A>G), located in coding exon 4 of the SDHAF2 gene, results from an A to G substitution at nucleotide position 452. The glutamine at codon 151 is replaced by arginine, an amino acid with highly similar properties. This amino acid position is highly conserved in available vertebrate species. In addition, the in silico prediction for this alteration is inconclusive. Since supporting evidence is limited at this time, the clinical significance of this alteration remains unclear.

NM_017841.4(SDHAF2):c.452A>G (p.Gln151Arg)

Gene: SDHAF2 (succinate dehydrogenase complex assembly factor 2; plus strand). Cytogenetic location: 11q12.2.
Variant type: single nucleotide variant.
Coding change: c.452A>G on transcript NM_017841.4 (MANE Select); coding-DNA position 452, A replaced by G.
Protein change: p.Gln151Arg; replaces glutamine 151 with arginine.
Molecular consequence: missense variant.
Genome position (GRCh38, 1-based): chr11:61,446,022, A>G. VCF-style: chr11-61446022-A-G. GRCh37 (hg19) VCF-style: chr11-61213494-A-G.
Other names: short protein forms Q151R.
Identifiers: ClinVar variation 1741249 (VCV001741249.6), dbSNP rs2540133095, ClinGen allele CA380685430.
Genomic context (GRCh38, chr11:61,446,022, plus strand): 5'-TATTTGAAAATGAAGTCATGGCCCTGCTGAGAGACTTTGCTAAAAACAAAAACAAAGAGC[A>G]GAGACTGCGTGCCCCAGATCTTGAGTACCTCTTTGAAAAGCCACGTTGAGCTGTGCTCCA-3'
Protein context (NP_060311.1, residues 141-161): RDFAKNKNKE[Gln151Arg]RLRAPDLEYL